The following is an entry in ClinVar:

ClinVar aggregate classification (germline): Uncertain significance (1 of 4 stars; one submission).

Submission:

Labcorp Genetics (formerly Invitae), Labcorp
Classification: Uncertain significance. Last evaluated: 2025-07-06. Review status: criteria provided, single submitter. Criteria: Invitae Variant Classification Sherloc (09022015). Collection method: clinical testing. Allele origin: germline.
Comment: This sequence change replaces leucine, which is neutral and non-polar, with arginine, which is basic and polar, at codon 218 of the ABCC8 protein (p.Leu218Arg). This variant is not present in population databases (gnomAD no frequency). This variant has not been reported in the literature in individuals affected with ABCC8-related conditions. Invitae Evidence Modeling of protein sequence and biophysical properties (such as structural, functional, and spatial information, amino acid conservation, physicochemical variation, residue mobility, and thermodynamic stability) indicates that this missense variant is expected to disrupt ABCC8 protein function with a positive predictive value of 95%. In summary, the available evidence is currently insufficient to determine the role of this variant in disease. Therefore, it has been classified as a Variant of Uncertain Significance.

NM_000352.6(ABCC8):c.653T>G (p.Leu218Arg)

Gene: ABCC8 (ATP binding cassette subfamily C member 8; minus strand). Cytogenetic location: 11p15.1.
Variant type: single nucleotide variant.
Coding change: c.653T>G on transcript NM_000352.6 (MANE Select); coding-DNA position 653, T replaced by G.
Protein change: p.Leu218Arg; replaces leucine 218 with arginine.
Molecular consequence: missense variant. On other transcripts: non-coding transcript variant (1).
Genome position (GRCh38, 1-based): chr11:17,461,752, A>C on the plus strand (T>G on the coding strand, the complement: ABCC8 is on the minus strand). VCF-style: chr11-17461752-A-C. GRCh37 (hg19) VCF-style: chr11-17483299-A-C.
Other names: c.653T>G, p.Leu218Arg (NM_001287174.3, NM_001351295.2, NM_001351296.2 and 1 more transcripts); short protein forms L218R.
Identifiers: ClinVar variation 4800396 (VCV004800396.1).
Genomic context (GRCh38, chr11:17,461,752, plus strand): 5'-TTGATGAAGGCGTTCATCCACCAGTAGGTGCCTTTGGACAGCAGATTCACGAAGGGCTGC[A>C]GGAAGCGTACCCCCAGGTCTTGCAGGTCCTCGGGAGGCTTCACCTCCCTCGGTGTCTTGA-3'
Protein context (NP_000343.2, residues 208-228): EDLQDLGVRF[Leu218Arg]QPFVNLLSKG